The following is an entry in ClinVar:

NM_000465.4(BARD1):c.365-21_365-18del

Gene: BARD1 (BRCA1 associated RING domain 1; minus strand). Cytogenetic location: 2q35.
Variant type: Deletion.
Coding change: c.365-21_365-18del on transcript NM_000465.4 (MANE Select); 21 bases into the intron before coding-DNA position 365 through 18 bases into the intron before coding-DNA position 365, 4 bases deleted (CTTT; older notation c.365-21_365-18delCTTT).
Molecular consequence: intron variant.
Genome position (GRCh38, 1-based): chr2:214,781,527-214,781,530, AAAG deleted on the plus strand (CTTT on the coding strand, the reverse complement: BARD1 is on the minus strand); deleting any 4 consecutive bases within chr2:214,781,527-214,781,533 gives the same sequence; the c. name uses the placement nearest the transcript's 3' end. VCF-style (leftmost placement, unchanged base first): chr2-214781526-AAAAG-A. GRCh37 (hg19) VCF-style: chr2-215646250-AAAAG-A.
Other names: c.158+27882_158+27885del (NM_001282548.2); c.308-21_308-18del (NM_001282543.2); c.215+15531_215+15534del (NM_001282545.2); c.364+10767_364+10770del (NM_001282549.2).
Identifiers: ClinVar variation 3378905 (VCV003378905.1).
Genomic context (GRCh38, chr2:214,781,526, plus strand): 5'-TGCATCATTAAACAAACTTTTCCTAGGTTTATCTTCTTTCAAATCTGACAGAAAAAAAGA[AAAAG>A]AAATCTGTTACATGAAATTTATTGCTCCCACATGGAGCTCCCGAAGAATTTTGTTTACAG-3'

ClinVar aggregate classification (germline): Benign (1 of 4 stars; one submission).

Conditions:
Familial cancer of breast. Also called: hereditary breast carcinoma; Hereditary breast cancer; BREAST CANCER, FAMILIAL. Identifiers: Orphanet 227535, MedGen C0346153, MONDO:0016419, OMIM 114480. Disease mechanism: loss of function.

Submission:

Myriad Genetics, Inc.
Classification: Benign for Familial cancer of breast. Last evaluated: 2024-07-19. Review status: criteria provided, single submitter. Criteria: Myriad Autosomal Dominant, Autosomal Recessive and X-Linked Classification Criteria (2023). Collection method: clinical testing. Allele origin: unknown.
Comment: This variant is considered benign. This variant is intronic and is not expected to impact mRNA splicing.